The following is an entry in ClinVar:

ClinVar aggregate classification (germline): Uncertain significance (1 of 4 stars; one submission).

Conditions:
Bardet-Biedl syndrome (BBS). Identifiers: Orphanet 110, MedGen C0752166, MONDO:0015229.

Submission:

Labcorp Genetics (formerly Invitae), Labcorp
Classification: Uncertain significance for Bardet-Biedl syndrome. Last evaluated: 2021-08-19. Review status: criteria provided, single submitter. Criteria: Invitae Variant Classification Sherloc (09022015). Collection method: clinical testing. Allele origin: germline.
Comment: This sequence change replaces valine with isoleucine at codon 352 of the BBS10 protein (p.Val352Ile). The valine residue is moderately conserved and there is a small physicochemical difference between valine and isoleucine. This variant is not present in population databases (ExAC no frequency). This variant has not been reported in the literature in individuals affected with BBS10-related conditions. Algorithms developed to predict the effect of missense changes on protein structure and function output the following: SIFT: "Tolerated"; PolyPhen-2: "Benign"; Align-GVGD: "Class C0". The isoleucine amino acid residue is found in multiple mammalian species, which suggests that this missense change does not adversely affect protein function. In summary, the available evidence is currently insufficient to determine the role of this variant in disease. Therefore, it has been classified as a Variant of Uncertain Significance.

NM_024685.4(BBS10):c.1054G>A (p.Val352Ile)

Gene: BBS10 (Bardet-Biedl syndrome 10; minus strand). Cytogenetic location: 12q21.2.
Variant type: single nucleotide variant.
Coding change: c.1054G>A on transcript NM_024685.4 (MANE Select); coding-DNA position 1054, G replaced by A.
Protein change: p.Val352Ile; replaces valine 352 with isoleucine.
Molecular consequence: missense variant.
Genome position (GRCh38, 1-based): chr12:76,346,931, C>T on the plus strand (G>A on the coding strand, the complement: BBS10 is on the minus strand). VCF-style: chr12-76346931-C-T. GRCh37 (hg19) VCF-style: chr12-76740711-C-T.
Other names: short protein forms V352I.
Identifiers: ClinVar variation 1423015 (VCV001423015.3), dbSNP rs779201114, ClinGen allele CA385812976.